The following is an entry in ClinVar:

ClinVar aggregate classification (germline): Uncertain significance (0 of 4 stars; one submission).

Conditions:
ZSWIM6-related disorder. Also called: ZSWIM6-related condition.

Submission:

PreventionGenetics, part of Exact Sciences
Classification: Uncertain significance for ZSWIM6-related condition. Last evaluated: 2024-01-04. Review status: no assertion criteria provided. Collection method: clinical testing. Allele origin: germline.
Comment: The ZSWIM6 c.425G>A variant is predicted to result in the amino acid substitution p.Gly142Asp. To our knowledge, this variant has not been reported in the literature or in a large population database, indicating this variant is rare. At this time, the clinical significance of this variant is uncertain due to the absence of conclusive functional and genetic evidence.

NM_020928.2(ZSWIM6):c.425G>A (p.Gly142Asp)

Gene: ZSWIM6 (zinc finger SWIM-type containing 6; plus strand). Cytogenetic location: 5q12.1.
Variant type: single nucleotide variant.
Coding change: c.425G>A on transcript NM_020928.2 (MANE Select); coding-DNA position 425, G replaced by A.
Protein change: p.Gly142Asp; replaces glycine 142 with aspartic acid.
Molecular consequence: missense variant.
Genome position (GRCh38, 1-based): chr5:61,332,697, G>A. VCF-style: chr5-61332697-G-A. GRCh37 (hg19) VCF-style: chr5-60628524-G-A.
Other names: short protein forms G142D.
Identifiers: ClinVar variation 3029047 (VCV003029047.2), dbSNP rs2478707363, ClinGen allele CA359940690.